The following is an entry in ClinVar:

ClinVar aggregate classification (germline): Uncertain significance (1 of 4 stars; one submission).

gnomAD v4.1: 1 of 1,614,164 alleles (0.000062%); highest among the groups gnomAD compares: Non-Finnish European, 0.000085%; no homozygotes.

Submission:

Labcorp Genetics (formerly Invitae), Labcorp
Classification: Uncertain significance. Last evaluated: 2024-09-30. Review status: criteria provided, single submitter. Criteria: Invitae Variant Classification Sherloc (09022015). Collection method: clinical testing. Allele origin: germline.
Comment: This sequence change replaces histidine, which is basic and polar, with arginine, which is basic and polar, at codon 189 of the SNIP1 protein (p.His189Arg). This variant is not present in population databases (gnomAD no frequency). This variant has not been reported in the literature in individuals affected with SNIP1-related conditions. ClinVar contains an entry for this variant (Variation ID: 2155422). Invitae Evidence Modeling of protein sequence and biophysical properties (such as structural, functional, and spatial information, amino acid conservation, physicochemical variation, residue mobility, and thermodynamic stability) indicates that this missense variant is not expected to disrupt SNIP1 protein function with a negative predictive value of 80%. In summary, the available evidence is currently insufficient to determine the role of this variant in disease. Therefore, it has been classified as a Variant of Uncertain Significance.

NM_024700.4(SNIP1):c.566A>G (p.His189Arg)

Genes: SNIP1 (Smad nuclear interacting protein 1; minus strand), LOC126805704 (BRD4-independent group 4 enhancer GRCh37_chr1:38005292-38006491; plus strand). Cytogenetic location: 1p34.3.
Variant type: single nucleotide variant.
Coding change: c.566A>G on transcript NM_024700.4 (MANE Select); coding-DNA position 566, A replaced by G.
Protein change: p.His189Arg; replaces histidine 189 with arginine.
Molecular consequence: missense variant.
Genome position (GRCh38, 1-based): chr1:37,540,517, T>C on the plus strand (A>G on the coding strand, the complement: SNIP1 is on the minus strand). VCF-style: chr1-37540517-T-C. GRCh37 (hg19) VCF-style: chr1-38006118-T-C.
Other names: short protein forms H189R.
Identifiers: ClinVar variation 2155422 (VCV002155422.4), dbSNP rs2522349166, ClinGen allele CA339451514.